The following is an entry in ClinVar:

ClinVar aggregate classification (germline): Uncertain significance. Review status: criteria provided, multiple submitters, no conflicts (2 of 4 stars). 2 submissions from 2 submitters: Uncertain significance (2). Last evaluated 2021-02-10.

Conditions:
Hereditary cancer-predisposing syndrome. Also called: Hereditary neoplastic syndrome; Neoplastic Syndromes, Hereditary; Tumor predisposition; Hereditary Cancer Syndrome. Identifiers: Orphanet 140162, MedGen C0027672, MeSH D009386, MONDO:0015356.
Fanconi anemia complementation group J. Also called: BRIP1-Related Fanconi Anemia. Identifiers: Orphanet 84, MedGen C1836860, MONDO:0012187, OMIM 609054.
Familial cancer of breast. Also called: BREAST CANCER, FAMILIAL; Hereditary breast cancer; hereditary breast carcinoma. Identifiers: Orphanet 227535, MedGen C0346153, MONDO:0016419, OMIM 114480. Disease mechanism: loss of function.

Submissions (2):

Labcorp Genetics (formerly Invitae), Labcorp
Classification: Uncertain significance for Familial cancer of breast; Fanconi anemia complementation group J. Last evaluated: 2021-02-10. Review status: criteria provided, single submitter. Criteria: Invitae Variant Classification Sherloc (09022015). Collection method: clinical testing. Allele origin: germline.
Comment: In summary, the available evidence is currently insufficient to determine the role of this variant in disease. Therefore, it has been classified as a Variant of Uncertain Significance. Algorithms developed to predict the effect of sequence changes on RNA splicing suggest that this variant may create or strengthen a splice site, but this prediction has not been confirmed by published transcriptional studies. Algorithms developed to predict the effect of missense changes on protein structure and function are either unavailable or do not agree on the potential impact of this missense change (SIFT: "Tolerated"; PolyPhen-2: "Possibly Damaging"; Align-GVGD: "Class C0"). This variant has not been reported in the literature in individuals with BRIP1-related conditions. ClinVar contains an entry for this variant (Variation ID: 481642). This variant is not present in population databases (ExAC no frequency). This sequence change replaces aspartic acid with glycine at codon 303 of the BRIP1 protein (p.Asp303Gly). The aspartic acid residue is weakly conserved and there is a moderate physicochemical difference between aspartic acid and glycine.

Ambry Genetics
Classification: Uncertain significance for Hereditary cancer-predisposing syndrome. Last evaluated: 2016-04-23. Review status: criteria provided, single submitter. Criteria: Ambry Variant Classification Scheme 2023. Collection method: clinical testing. Allele origin: germline.
Comment: The p.D303G variant (also known as c.908A>G), located in coding exon 6 of the BRIP1 gene, results from an A to G substitution at nucleotide position 908. The aspartic acid at codon 303 is replaced by glycine, an amino acid with similar properties. This variant was not reported in population based cohorts in the following databases: Database of Single Nucleotide Polymorphisms (dbSNP), NHLBI Exome Sequencing Project (ESP), and 1000 Genomes Project. In the ESP, this variant was not observed in 6503 samples (13006 alleles) with coverage at this position. To date, this alteration has been detected with an allele frequency of approximately 0.001% (greater than 120000 alleles tested) in our clinical cohort. This amino acid position is well conserved in available vertebrate species. In addition, the in silico prediction for this alteration is inconclusive. Since supporting evidence is limited at this time, the clinical significance of this alteration remains unclear.

NM_032043.3(BRIP1):c.908A>G (p.Asp303Gly)

Gene: BRIP1 (BRCA1 interacting DNA helicase 1; minus strand). Cytogenetic location: 17q23.2.
Variant type: single nucleotide variant.
Coding change: c.908A>G on transcript NM_032043.3 (MANE Select); coding-DNA position 908, A replaced by G.
Protein change: p.Asp303Gly; replaces aspartic acid 303 with glycine.
Molecular consequence: missense variant.
Genome position (GRCh38, 1-based): chr17:61,808,477, T>C on the plus strand (A>G on the coding strand, the complement: BRIP1 is on the minus strand). VCF-style: chr17-61808477-T-C. GRCh37 (hg19) VCF-style: chr17-59885838-T-C.
Other names: short protein forms D303G.
Identifiers: ClinVar variation 481642 (VCV000481642.12), dbSNP rs1555609130, ClinGen allele CA400484655.